The following is an entry in ClinVar:

NM_002470.4(MYH3):c.5797A>G (p.Met1933Val)

Gene: MYH3 (myosin heavy chain 3; minus strand). Cytogenetic location: 17p13.1.
Variant type: single nucleotide variant.
Coding change: c.5797A>G on transcript NM_002470.4 (MANE Select); coding-DNA position 5797, A replaced by G.
Protein change: p.Met1933Val; replaces methionine 1933 with valine.
Molecular consequence: missense variant.
Genome position (GRCh38, 1-based): chr17:10,628,679, T>C on the plus strand (A>G on the coding strand, the complement: MYH3 is on the minus strand). VCF-style: chr17-10628679-T-C. GRCh37 (hg19) VCF-style: chr17-10531996-T-C.
Other names: short protein forms M1933V.
Identifiers: ClinVar variation 4526089 (VCV004526089.2).
Genomic context (GRCh38, chr17:10,628,679, plus strand): 5'-TGCATATCTTCTGTCCTGCTCCAGAAGGGCTGGCTCACTCTTCACTCTCGTGGACCACCA[T>C]CTAGGAAGAAAGTAGGCACCTGGAGTCAAGTCGGGTGGCAGAGACACATTCCCACCCACC-3'
Protein context (NP_002461.2, residues 1923-1940): AKTRDFTSSR[Met1933Val]VVHESEE

ClinVar aggregate classification (germline): Uncertain significance. Review status: criteria provided, multiple submitters, no conflicts (2 of 4 stars). 2 submissions from 2 submitters: Uncertain significance (2). Last evaluated 2025-07-08.

Submissions (2):

Women's Health and Genetics/Laboratory Corporation of America, LabCorp
Classification: Uncertain significance. Last evaluated: 2025-07-08. Review status: criteria provided, single submitter. Criteria: LabCorp Variant Classification Summary - May 2015. Collection method: clinical testing. Allele origin: germline.
Comment: Variant summary: MYH3 c.5797A>G (p.Met1933Val) results in a conservative amino acid change in the encoded protein sequence. Algorithms developed to predict the effect of missense changes on protein structure and function all suggest that this variant is likely to be tolerated. Consensus agreement among computation tools predict no significant impact on normal splicing. However, these predictions have yet to be confirmed by functional studies. The variant was absent in 249212 control chromosomes (gnomAD). The available data on variant occurrences in the general population are insufficient to allow any conclusion about variant significance. To our knowledge, no occurrence of c.5797A>G in individuals affected with MYH3-Related Disorders and no experimental evidence demonstrating its impact on protein function have been reported. No submitters have cited clinical-significance assessments for this variant to ClinVar. Based on the evidence outlined above, the variant was classified as uncertain significance.

Labcorp Genetics (formerly Invitae), Labcorp
Classification: Uncertain significance. Last evaluated: 2025-05-21. Review status: criteria provided, single submitter. Criteria: Invitae Variant Classification Sherloc (09022015). Collection method: clinical testing. Allele origin: germline.
Comment: This sequence change replaces methionine, which is neutral and non-polar, with valine, which is neutral and non-polar, at codon 1933 of the MYH3 protein (p.Met1933Val). This variant is present in population databases (no rsID available, gnomAD 0.01%). This variant has not been reported in the literature in individuals affected with MYH3-related conditions. An algorithm developed to predict the effect of missense changes on protein structure and function (PolyPhen-2) suggests that this variant is likely to be tolerated. In summary, the available evidence is currently insufficient to determine the role of this variant in disease. Therefore, it has been classified as a Variant of Uncertain Significance.